The following is an entry in ClinVar:

NM_001164508.2(NEB):c.22691dup (p.Ser7564fs)

Genes: NEB (nebulin; minus strand), RIF1 (replication timing regulatory factor 1; plus strand). Cytogenetic location: 2q23.3.
Variant type: Duplication.
Coding change: c.22691dup on transcript NM_001164508.2 (MANE Select); coding-DNA position 22691, one base duplicated (G; older notation c.22691dupG).
Protein change: p.Ser7564fs; shifts the reading frame from serine 7564.
Molecular consequence: frameshift variant.
Genome position (GRCh38, 1-based): chr2:151,518,969, C duplicated on the plus strand (G on the coding strand, the reverse complement: NEB is on the minus strand). VCF-style (leftmost placement, unchanged base first): chr2-151518968-A-AC. GRCh37 (hg19) VCF-style: chr2-152375482-A-AC.
Other names: c.17588dup, p.Ser5863fs (NM_004543.5); c.22691dup, p.Ser7564fs (NM_001164507.2); c.22796dup, p.Ser7599fs (NM_001271208.2); short protein forms S5863fs, S7564fs, S7599fs.
Identifiers: ClinVar variation 4814755 (VCV004814755.1).

ClinVar aggregate classification (germline): Likely pathogenic (1 of 4 stars; one submission).

Conditions:
Nemaline myopathy 2 (NEM2). Also called: Nemaline myopathy 2, autosomal recessive. Identifiers: MedGen C1850569, MONDO:0009725, OMIM 256030.

Submission:

Natera, Inc.
Classification: Likely pathogenic for Nemaline myopathy type 2. Last evaluated: 2024-12-30. Review status: criteria provided, single submitter. Criteria: Natera Variant Classification Schema (03/2026). Collection method: clinical testing. Allele origin: germline.
Comment: The c.22796dup variant in NEB is a frameshift variant predicted to shift the reading frame beginning at codon 7599 and leads to a stop codon 10 codons downstream. This variant is expected to result in nonsense mediated decay, truncation, or a dysfunctional protein product. This variant is rare in the general population with a frequency below the threshold expected for the associated phenotype(s). Given the available evidence, this variant is classified as Likely Pathogenic.